The following is an entry in ClinVar:

ClinVar aggregate classification (germline): Uncertain significance (1 of 4 stars; one submission).

gnomAD v4.1: 1 of 1,611,676 alleles (0.000062%); highest among the groups gnomAD compares: Non-Finnish European, 0.000085%; no homozygotes.

Submission:

Labcorp Genetics (formerly Invitae), Labcorp
Classification: Uncertain significance. Last evaluated: 2024-05-12. Review status: criteria provided, single submitter. Criteria: Invitae Variant Classification Sherloc (09022015). Collection method: clinical testing. Allele origin: germline.
Comment: This sequence change replaces histidine, which is basic and polar, with asparagine, which is neutral and polar, at codon 106 of the TNNI3K protein (p.His106Asn). This variant is not present in population databases (gnomAD no frequency). This variant has not been reported in the literature in individuals affected with TNNI3K-related conditions. Advanced modeling of protein sequence and biophysical properties (such as structural, functional, and spatial information, amino acid conservation, physicochemical variation, residue mobility, and thermodynamic stability) performed at Invitae indicates that this missense variant is not expected to disrupt TNNI3K protein function with a negative predictive value of 80%. In summary, the available evidence is currently insufficient to determine the role of this variant in disease. Therefore, it has been classified as a Variant of Uncertain Significance.

NM_015978.3(TNNI3K):c.316C>A (p.His106Asn)

Genes: FPGT-TNNI3K (FPGT-TNNI3K readthrough; plus strand), TNNI3K (TNNI3 interacting kinase; plus strand). Cytogenetic location: 1p31.1.
Variant type: single nucleotide variant.
Coding change: c.316C>A on transcript NM_015978.3 (MANE Select); coding-DNA position 316, C replaced by A.
Protein change: p.His106Asn; replaces histidine 106 with asparagine.
Molecular consequence: missense variant.
Genome position (GRCh38, 1-based): chr1:74,250,752, C>A. VCF-style: chr1-74250752-C-A. GRCh37 (hg19) VCF-style: chr1-74716436-C-A.
Other names: c.619C>A, p.His207Asn (NM_001112808.3, NM_001199327.2); short protein forms H106N, H207N.
Identifiers: ClinVar variation 3695136 (VCV003695136.2).